The following is an entry in ClinVar:

NC_000013.10:g.(32893463_32899212)_(32974406_?)dup

Gene: BRCA2 (BRCA2 DNA repair associated; plus strand). Cytogenetic location: 13q13.1.
Variant type: Duplication.
Identifiers: ClinVar variation 3895932 (VCV003895932.1).

ClinVar aggregate classification (germline): Uncertain significance (1 of 4 stars; one submission).

Submission:

Women's Health and Genetics/Laboratory Corporation of America, LabCorp
Classification: Uncertain significance. Last evaluated: 2025-03-26. Review status: criteria provided, single submitter. Criteria: LabCorp Variant Classification Summary - May 2015. Collection method: clinical testing. Allele origin: germline.
Comment: Variant summary: The variant involves the duplication of exons 4-27 in the BRCA2 gene. A presumed nomenclature of c.(316+1_317-1)_(*1499_?)dup has been designated for the purposes of this classification. The exact breakpoint at the 3' end of this variant is unknown, therefore this duplication may extend downstream of the annotated region of the gene. As it duplicates the termination codon, its effect on the encoded protein is unknown. The variant was absent in 21692 control chromosomes. The available data on variant occurrences in the general population are insufficient to allow any conclusion about variant significance. To our knowledge, no occurrence of c.(316+1_317-1)_(*1499_?)dup in individuals affected with Hereditary Breast And Ovarian Cancer Syndrome and no experimental evidence demonstrating its impact on protein function have been reported. ClinVar contains an entry for this variant (Variation ID: 1014423). Based on the evidence outlined above, the variant was classified as uncertain significance.